The following is an entry in ClinVar:

NM_172362.3(KCNH1):c.2495C>T (p.Ala832Val)

Gene: KCNH1 (potassium voltage-gated channel subfamily H member 1; minus strand). Cytogenetic location: 1q32.2.
Variant type: single nucleotide variant.
Coding change: c.2495C>T on transcript NM_172362.3 (MANE Select); coding-DNA position 2495, C replaced by T.
Protein change: p.Ala832Val; replaces alanine 832 with valine.
Molecular consequence: missense variant.
Genome position (GRCh38, 1-based): chr1:210,683,756, G>A on the plus strand (C>T on the coding strand, the complement: KCNH1 is on the minus strand). VCF-style: chr1-210683756-G-A. GRCh37 (hg19) VCF-style: chr1-210857098-G-A.
Other names: c.2414C>T, p.Ala805Val (NM_002238.4); c.2495C>T (NM_172362.2); short protein forms A805V, A832V.
Identifiers: ClinVar variation 2719268 (VCV002719268.4), dbSNP rs2546369837, ClinGen allele CA344871075.

ClinVar aggregate classification (germline): Uncertain significance. Review status: criteria provided, multiple submitters, no conflicts (2 of 4 stars). 2 submissions from 2 submitters: Uncertain significance (2). Last evaluated 2024-01-03.

Conditions:
Inborn genetic diseases. Identifiers: MedGen C0950123, MeSH D030342.

gnomAD v4.1: 2 of 1,613,970 alleles (0.00012%); highest among the groups gnomAD compares: Non-Finnish European, 0.00017%; no homozygotes.

Submissions (2):

Ambry Genetics
Classification: Uncertain significance for Inborn genetic diseases. Last evaluated: 2024-01-03. Review status: criteria provided, single submitter. Criteria: Ambry Variant Classification Scheme 2023. Collection method: clinical testing. Allele origin: germline.

Labcorp Genetics (formerly Invitae), Labcorp
Classification: Uncertain significance. Last evaluated: 2023-02-20. Review status: criteria provided, single submitter. Criteria: Invitae Variant Classification Sherloc (09022015). Collection method: clinical testing. Allele origin: germline.
Comment: In summary, the available evidence is currently insufficient to determine the role of this variant in disease. Therefore, it has been classified as a Variant of Uncertain Significance. This sequence change replaces alanine, which is neutral and non-polar, with valine, which is neutral and non-polar, at codon 832 of the KCNH1 protein (p.Ala832Val). This variant is not present in population databases (gnomAD no frequency). This variant has not been reported in the literature in individuals affected with KCNH1-related conditions. Advanced modeling of protein sequence and biophysical properties (such as structural, functional, and spatial information, amino acid conservation, physicochemical variation, residue mobility, and thermodynamic stability) performed at Invitae indicates that this missense variant is not expected to disrupt KCNH1 protein function.